The following is an entry in ClinVar:

NM_001139.3(ALOX12B):c.*66C>T

Gene: ALOX12B (arachidonate 12-lipoxygenase, 12R type; minus strand). Cytogenetic location: 17p13.1.
Variant type: single nucleotide variant.
Coding change: c.*66C>T on transcript NM_001139.3 (MANE Select); 66 bases downstream of the stop codon, C replaced by T.
Molecular consequence: 3 prime UTR variant.
Genome position (GRCh38, 1-based): chr17:8,072,705, G>A on the plus strand (C>T on the coding strand, the complement: ALOX12B is on the minus strand). VCF-style: chr17-8072705-G-A. GRCh37 (hg19) VCF-style: chr17-7976023-G-A.
Other names: c.*66C>T (LRG_1264t1).
Identifiers: ClinVar variation 325868 (VCV000325868.5), dbSNP rs74252603, ClinGen allele CA10650404.

ClinVar aggregate classification (germline): Benign (1 of 4 stars; one submission).

Conditions:
Autosomal recessive congenital ichthyosis 2 (ARCI2). Identifiers: Orphanet 281122, Orphanet 79394, MedGen C3888093, MONDO:0009439, OMIM 242100.

Allele frequency attached by ClinVar (database versions not stated): gnomAD 0.00064; TOPMed 0.00133; 1000 Genomes Project 30x 0.00562; 1000 Genomes Project 0.00579.
gnomAD v4.1: 1,021 of 1,597,818 alleles (0.064%); highest among the groups gnomAD compares: East Asian, 2%; 14 homozygotes.

Submission:

Illumina Laboratory Services, Illumina
Classification: Benign for Autosomal recessive congenital ichthyosis 2. Last evaluated: 2018-01-13. Review status: criteria provided, single submitter. Criteria: ICSL Variant Classification Criteria 13 December 2019. Collection method: clinical testing. Allele origin: germline.
Comment: This variant was observed in the ICSL laboratory as part of a predisposition screen in an ostensibly healthy population. It had not been previously curated by ICSL or reported in the Human Gene Mutation Database (HGMD: prior to June 1st, 2018), and was therefore a candidate for classification through an automated scoring system. Utilizing variant allele frequency, disease prevalence and penetrance estimates, and inheritance mode, an automated score was calculated to assess if this variant is too frequent to cause the disease. Based on the score and internal cut-off values, a variant classified as benign is not then subjected to further curation. The score for this variant resulted in a classification of benign for this disease.